The following is an entry in ClinVar:

NM_017849.4(TMEM127):c.463T>G (p.Leu155Val)

Gene: TMEM127 (transmembrane protein 127; minus strand). Cytogenetic location: 2q11.2.
Variant type: single nucleotide variant.
Coding change: c.463T>G on transcript NM_017849.4 (MANE Select); coding-DNA position 463, T replaced by G.
Protein change: p.Leu155Val; replaces leucine 155 with valine.
Molecular consequence: missense variant.
Genome position (GRCh38, 1-based): chr2:96,254,062, A>C on the plus strand (T>G on the coding strand, the complement: TMEM127 is on the minus strand). VCF-style: chr2-96254062-A-C. GRCh37 (hg19) VCF-style: chr2-96919800-A-C.
Other names: c.463T>G, p.Leu155Val (NM_001193304.3); c.211T>G, p.Leu71Val (NM_001407282.1, NM_001407283.1); short protein forms L71V, L155V.
Identifiers: ClinVar variation 3457598 (VCV003457598.1).

ClinVar aggregate classification (germline): Uncertain significance (1 of 4 stars; one submission).

Conditions:
Hereditary cancer-predisposing syndrome. Also called: Tumor predisposition; Neoplastic Syndromes, Hereditary; Hereditary neoplastic syndrome; Hereditary Cancer Syndrome. Identifiers: Orphanet 140162, MedGen C0027672, MeSH D009386, MONDO:0015356.

gnomAD v4.1: 1 of 1,614,178 alleles (0.000062%); highest among the groups gnomAD compares: Non-Finnish European, 0.000085%; no homozygotes.

Submission:

Ambry Genetics
Classification: Uncertain significance for Hereditary cancer-predisposing syndrome. Last evaluated: 2024-07-26. Review status: criteria provided, single submitter. Criteria: Ambry Variant Classification Scheme 2023. Collection method: clinical testing. Allele origin: germline.
Comment: The p.L155V variant (also known as c.463T>G), located in coding exon 3 of the TMEM127 gene, results from a T to G substitution at nucleotide position 463. The leucine at codon 155 is replaced by valine, an amino acid with highly similar properties. This amino acid position is conserved. In addition, this alteration is predicted to be deleterious by in silico analysis. Based on the available evidence, the clinical significance of this variant remains unclear.